The following is an entry in ClinVar:

ClinVar aggregate classification (germline): Benign (1 of 4 stars; one submission).

Conditions:
Congenital muscular hypertrophy-cerebral syndrome (CDLS2). Also called: Cornelia de Lange syndrome 2; SMC1A-Related Cornelia de Lange Syndrome. Identifiers: Orphanet 199, MedGen C1802395, MONDO:0010370, OMIM 300590.

Allele frequency attached by ClinVar (database versions not stated): 1000 Genomes Project 0.00079; 1000 Genomes Project 30x 0.00083; gnomAD 0.00284 and 0.00288; TOPMed 0.00309.

Submission:

Illumina Laboratory Services, Illumina
Classification: Benign for Congenital muscular hypertrophy-cerebral syndrome. Last evaluated: 2018-01-13. Review status: criteria provided, single submitter. Criteria: ICSL Variant Classification Criteria 13 December 2019. Collection method: clinical testing. Allele origin: germline.
Comment: This variant was observed in the ICSL laboratory as part of a predisposition screen in an ostensibly healthy population. It had not been previously curated by ICSL or reported in the Human Gene Mutation Database (HGMD: prior to June 1st, 2018), and was therefore a candidate for classification through an automated scoring system. Utilizing variant allele frequency, disease prevalence and penetrance estimates, and inheritance mode, an automated score was calculated to assess if this variant is too frequent to cause the disease. Based on the score and internal cut-off values, a variant classified as benign is not then subjected to further curation. The score for this variant resulted in a classification of benign for this disease.

NM_006306.4(SMC1A):c.*3421G>T

Gene: SMC1A (structural maintenance of chromosomes 1A; minus strand). Cytogenetic location: Xp11.22.
Variant type: single nucleotide variant.
Coding change: c.*3421G>T on transcript NM_006306.4 (MANE Select); 3421 bases downstream of the stop codon, G replaced by T.
Molecular consequence: 3 prime UTR variant.
Genome position (GRCh38, 1-based): chrX:53,376,682, C>A on the plus strand (G>T on the coding strand, the complement: SMC1A is on the minus strand). VCF-style: chrX-53376682-C-A. GRCh37 (hg19) VCF-style: chrX-53403603-C-A.
Other names: c.*3421G>T (NM_001281463.1).
Identifiers: ClinVar variation 368562 (VCV000368562.5), dbSNP rs41304780, ClinGen allele CA10646318.